The following is an entry in ClinVar:

NM_001110556.2(FLNA):c.7363_7364insCGTGAACACCA (p.Ser2455delinsThrTer)

Gene: FLNA (filamin A; minus strand). Cytogenetic location: Xq28.
Variant type: Insertion.
Coding change: c.7363_7364insCGTGAACACCA on transcript NM_001110556.2 (MANE Select); coding-DNA positions 7363 to 7364, CGTGAACACCA inserted.
Protein change: p.Ser2455delinsThrTer.
Molecular consequence: nonsense.
Genome position: GRCh38 VCF-style: chrX-154349837-C-CTGGTGTTCACG. GRCh37 (hg19) VCF-style: chrX-153578205-C-CTGGTGTTCACG.
Other names: c.7339_7340insCGTGAACACCA, p.Ser2447delinsThrTer (NM_001456.4).
Identifiers: ClinVar variation 2126617 (VCV002126617.4), dbSNP rs2522714066, ClinGen allele CA2580101871.

ClinVar aggregate classification (germline): Pathogenic (1 of 4 stars; one submission).

Conditions:
Melnick-Needles syndrome (MNS). Also called: MELNICK-NEEDLES OSTEODYSPLASTY; OSTEODYSPLASTY OF MELNICK AND NEEDLES; Melnick-Needles Syndrome (FLNA-MNS). Identifiers: Orphanet 2484, MedGen C0025237, MONDO:0010650, OMIM 309350.
Heterotopia, periventricular, X-linked dominant (PVNH1). Also called: PERIVENTRICULAR NODULAR HETEROTOPIA 1; X-linked periventricular heterotopia; PERIVENTRICULAR NODULAR HETEROTOPIA 4; HETEROTOPIA, PERIVENTRICULAR, 1. Identifiers: Orphanet 2149, Orphanet 82004, MedGen C1848213, MONDO:0010233, OMIM 300049.
Frontometaphyseal dysplasia (FMD1). Identifiers: Orphanet 1826, MedGen C0265293, MONDO:0015942.
Oto-palato-digital syndrome, type II (OPD2). Also called: FACIOPALATOOSSEOUS SYNDROME; OPD II SYNDROME; Otopalatodigital Syndrome Type 2 (FLNA-OPD2); Otopalatodigital Syndrome, Type II. Identifiers: Orphanet 669, Orphanet 90652, MedGen C1844696, MONDO:0010571, OMIM 304120.

Submission:

Labcorp Genetics (formerly Invitae), Labcorp
Classification: Pathogenic for Oto-palato-digital syndrome, type II; Heterotopia, periventricular, X-linked dominant; Frontometaphyseal dysplasia; Melnick-Needles syndrome. Last evaluated: 2022-04-15. Review status: criteria provided, single submitter. Criteria: Invitae Variant Classification Sherloc (09022015). Collection method: clinical testing. Allele origin: germline.
Comment: For these reasons, this variant has been classified as Pathogenic. This variant has not been reported in the literature in individuals affected with FLNA-related conditions. This variant is not present in population databases (gnomAD no frequency). This sequence change creates a premature translational stop signal (p.Ser2447Thrfs*2) in the FLNA gene. It is expected to result in an absent or disrupted protein product. Loss-of-function variants in FLNA are known to be pathogenic (PMID: 16684786, 20730588, 26471271).

Literature cited by the submitters: PubMed 16684786; PubMed 20730588; PubMed 26471271.